The following is an entry in ClinVar:

ClinVar aggregate classification (germline): Likely benign. Review status: criteria provided, multiple submitters, no conflicts (2 of 4 stars). 3 submissions from 3 submitters: Likely benign (3). Last evaluated 2025-07-30.

Conditions:
Inborn genetic diseases. Identifiers: MedGen C0950123, MeSH D030342.
Charcot-Marie-Tooth disease, type I (CMT1). Also called: Charcot-Marie-Tooth disease type 1; Charcot-Marie-Tooth, Type 1. Identifiers: Orphanet 65753, MedGen C0751036, MONDO:0019011.

Allele frequency attached by ClinVar (database versions not stated): gnomAD 0.00001; TOPMed 0.00002; gnomAD exomes 0.00004; ExAC 0.00005.
gnomAD v4.1: 6 of 1,614,040 alleles (0.00037%); highest among the groups gnomAD compares: East Asian, 0.013%; no homozygotes.

Submissions (3):

Labcorp Genetics (formerly Invitae), Labcorp
Classification: Likely benign for Charcot-Marie-Tooth disease, type I. Last evaluated: 2025-07-30. Review status: criteria provided, single submitter. Criteria: Invitae Variant Classification Sherloc (09022015). Collection method: clinical testing. Allele origin: germline.

Ambry Genetics
Classification: Likely benign for Inborn genetic diseases. Last evaluated: 2019-07-11. Review status: criteria provided, single submitter. Criteria: Ambry Variant Classification Scheme 2023. Collection method: clinical testing. Allele origin: germline.

GeneDx
Classification: Likely benign. Last evaluated: 2017-08-17. Review status: criteria provided, single submitter. Criteria: GeneDx Variant Classification (06012015). Collection method: clinical testing. Allele origin: germline. Affected: yes.
Comment: This variant is considered likely benign or benign based on one or more of the following criteria: it is a conservative change, it occurs at a poorly conserved position in the protein, it is predicted to be benign by multiple in silico algorithms, and/or has population frequency not consistent with disease.

NM_000304.4(PMP22):c.411C>T (p.Ile137=)

Gene: PMP22 (peripheral myelin protein 22; minus strand). Cytogenetic location: 17p12.
Variant type: single nucleotide variant.
Coding change: c.411C>T on transcript NM_000304.4 (MANE Select); coding-DNA position 411, C replaced by T.
Protein change: p.Ile137=; no amino-acid change (isoleucine 137 retained).
Molecular consequence: synonymous variant. On other transcripts: non-coding transcript variant (2).
Genome position (GRCh38, 1-based): chr17:15,230,989, G>A on the plus strand (C>T on the coding strand, the complement: PMP22 is on the minus strand). VCF-style: chr17-15230989-G-A. GRCh37 (hg19) VCF-style: chr17-15134306-G-A.
Other names: c.411C>T, p.Ile137= (NM_001281455.2, NM_001281456.2, NM_153321.3 and 1 more transcripts).
Identifiers: ClinVar variation 511506 (VCV000511506.4), dbSNP rs752025670, ClinGen allele CA8403303.
Genomic context (GRCh38, chr17:15,230,989, plus strand): 5'-CCGCAAGATCACATAGATGACACCGCTGAGAAGGGCCAGGGGGAAGGCCACCCAGGCCAG[G>A]ATGTAGGCGAAACCGTAGGAGTAATCCGAGTTGAGATGCCACTCCGGGTGCCTCACCGTG-3'
Protein context (NP_000295.1, residues 127-147): NSDYSYGFAY[Ile137=]LAWVAFPLAL